The following is an entry in ClinVar:

ClinVar aggregate classification (germline): Uncertain significance. Review status: criteria provided, multiple submitters, no conflicts (2 of 4 stars). 2 submissions from 2 submitters: Uncertain significance (2). Last evaluated 2024-07-02.

Allele frequency attached by ClinVar (database versions not stated): gnomAD 0.00001; gnomAD exomes 0.00001; TOPMed 0.00001; ExAC 0.00002.
gnomAD v4.1: 8 of 1,613,610 alleles (0.0005%); highest among the groups gnomAD compares: African/African-American, 0.0013%; no homozygotes.

Submissions (2):

Ambry Genetics
Classification: Uncertain significance. Last evaluated: 2024-07-02. Review status: criteria provided, single submitter. Criteria: Ambry Variant Classification Scheme 2023. Collection method: clinical testing. Allele origin: germline.

Labcorp Genetics (formerly Invitae), Labcorp
Classification: Uncertain significance. Last evaluated: 2023-09-08. Review status: criteria provided, single submitter. Criteria: Invitae Variant Classification Sherloc (09022015). Collection method: clinical testing. Allele origin: germline.
Comment: In summary, the available evidence is currently insufficient to determine the role of this variant in disease. Therefore, it has been classified as a Variant of Uncertain Significance. An algorithm developed to predict the effect of missense changes on protein structure and function (PolyPhen-2) suggests that this variant is likely to be disruptive. This sequence change replaces glycine, which is neutral and non-polar, with aspartic acid, which is acidic and polar, at codon 323 of the ADGRA3 protein (p.Gly323Asp). This variant is present in population databases (rs751453660, gnomAD 0.002%). This variant has not been reported in the literature in individuals affected with ADGRA3-related conditions. ClinVar contains an entry for this variant (Variation ID: 1359169).

NM_145290.4(ADGRA3):c.968G>A (p.Gly323Asp)

Gene: ADGRA3 (adhesion G protein-coupled receptor A3; minus strand). Cytogenetic location: 4p15.2.
Variant type: single nucleotide variant.
Coding change: c.968G>A on transcript NM_145290.4 (MANE Select); coding-DNA position 968, G replaced by A.
Protein change: p.Gly323Asp; replaces glycine 323 with aspartic acid.
Molecular consequence: missense variant.
Genome position (GRCh38, 1-based): chr4:22,438,373, C>T on the plus strand (G>A on the coding strand, the complement: ADGRA3 is on the minus strand). VCF-style: chr4-22438373-C-T. GRCh37 (hg19) VCF-style: chr4-22439996-C-T.
Other names: c.968G>A (NM_145290.2); short protein forms G323D.
Identifiers: ClinVar variation 1359169 (VCV001359169.7), dbSNP rs751453660, ClinGen allele CA2874085.